The following is an entry in ClinVar:

ClinVar aggregate classification (germline): Uncertain significance. Review status: criteria provided, multiple submitters, no conflicts (2 of 4 stars). 2 submissions from 2 submitters: Uncertain significance (2). Last evaluated 2024-02-27.

Conditions:
Autosomal recessive limb-girdle muscular dystrophy type 2W (MDRCMTT). Also called: Muscular dystrophy, autosomal recessive, with cardiomyopathy and triangular tongue; Muscular dystrophy, limb-girdle, type 2W. Identifiers: MedGen C4225192, MONDO:0014788, OMIM 616827.

Allele frequency attached by ClinVar (database versions not stated): gnomAD exomes 0.00002 and 0.00004; gnomAD 0.00003; ExAC 0.00010.
gnomAD v4.1: 29 of 1,578,892 alleles (0.0018%); highest among the groups gnomAD compares: Non-Finnish European, 0.0023%; no homozygotes.

Submissions (2):

Labcorp Genetics (formerly Invitae), Labcorp
Classification: Uncertain significance for Autosomal recessive limb-girdle muscular dystrophy type 2W. Last evaluated: 2024-02-27. Review status: criteria provided, single submitter. Criteria: Invitae Variant Classification Sherloc (09022015). Collection method: clinical testing. Allele origin: germline.
Comment: This sequence change replaces leucine, which is neutral and non-polar, with valine, which is neutral and non-polar, at codon 167 of the LIMS2 protein (p.Leu167Val). This variant is present in population databases (rs746614706, gnomAD 0.008%). This variant has not been reported in the literature in individuals affected with LIMS2-related conditions. ClinVar contains an entry for this variant (Variation ID: 1407547). Advanced modeling of protein sequence and biophysical properties (such as structural, functional, and spatial information, amino acid conservation, physicochemical variation, residue mobility, and thermodynamic stability) performed at Invitae indicates that this missense variant is not expected to disrupt LIMS2 protein function with a negative predictive value of 80%. In summary, the available evidence is currently insufficient to determine the role of this variant in disease. Therefore, it has been classified as a Variant of Uncertain Significance.

Revvity Omics, Revvity
Classification: Uncertain significance for Autosomal recessive limb-girdle muscular dystrophy type 2W. Last evaluated: 2020-01-29. Review status: criteria provided, single submitter. Criteria: ACMG Guidelines, 2015. Collection method: clinical testing. Allele origin: germline.

NM_001161403.3(LIMS2):c.433C>G (p.Leu145Val)

Gene: LIMS2 (LIM zinc finger domain containing 2; minus strand). Cytogenetic location: 2q14.3.
Variant type: single nucleotide variant.
Coding change: c.433C>G on transcript NM_001161403.3 (MANE Select); coding-DNA position 433, C replaced by G.
Protein change: p.Leu145Val; replaces leucine 145 with valine.
Molecular consequence: missense variant. On other transcripts: 5 prime UTR variant (1).
Genome position (GRCh38, 1-based): chr2:127,642,999, G>C on the plus strand (C>G on the coding strand, the complement: LIMS2 is on the minus strand). VCF-style: chr2-127642999-G-C. GRCh37 (hg19) VCF-style: chr2-128400574-G-C.
Other names: c.499C>G, p.Leu167Val (NM_001136037.4); c.418C>G, p.Leu140Val (NM_001161404.2); c.-24C>G (NM_001256542.2); c.505C>G, p.Leu169Val (NM_017980.5); c.499C>G (NM_001136037.2); short protein forms L167V, L145V, L140V, L169V.
Identifiers: ClinVar variation 1407547 (VCV001407547.8), dbSNP rs746614706, ClinGen allele CA1863058.